The following is an entry in ClinVar:

ClinVar aggregate classification (germline): Benign (1 of 4 stars; one submission).

Conditions:
Multiple endocrine neoplasia type 2A. Also called: Multiple Endocrine Neoplasia Type 2A (MEN2A); MULTIPLE ENDOCRINE NEOPLASIA, TYPE IIA; PTC SYNDROME; SIPPLE SYNDROME; MEN 2A; MEN-2A syndrome. Identifiers: Orphanet 247698, Orphanet 653, MedGen C0025268, MeSH D018813, MONDO:0008234, OMIM 171400.

gnomAD v4.1: 1 of 1,612,730 alleles (0.000062%); highest among the groups gnomAD compares: Non-Finnish European, 0.000085%; no homozygotes.

Submission:

Myriad Genetics, Inc.
Classification: Benign for Multiple endocrine neoplasia type 2A. Last evaluated: 2025-02-27. Review status: criteria provided, single submitter. Criteria: Myriad Autosomal Dominant, Autosomal Recessive and X-Linked Classification Criteria (2023). Collection method: clinical testing. Allele origin: unknown.
Comment: This variant is considered benign. This variant is a silent/synonymous amino acid change and it is not expected to impact splicing.

NM_020975.6(RET):c.2724G>A (p.Arg908=)

Gene: RET (ret proto-oncogene; plus strand). Cytogenetic location: 10q11.21.
Variant type: single nucleotide variant.
Coding change: c.2724G>A on transcript NM_020975.6 (MANE Select); coding-DNA position 2724, G replaced by A.
Protein change: p.Arg908=; no amino-acid change (arginine 908 retained).
Molecular consequence: synonymous variant.
Genome position (GRCh38, 1-based): chr10:43,120,197, G>A. VCF-style: chr10-43120197-G-A. GRCh37 (hg19) VCF-style: chr10-43615645-G-A.
Other names: c.1962G>A, p.Arg654= (NM_001355216.2); c.2724G>A, p.Arg908= (NM_001406743.1, NM_001406744.1, NM_001406759.1 and 2 more transcripts); c.2595G>A, p.Arg865= (NM_001406761.1, NM_001406762.1, NM_001406764.1); c.2589G>A, p.Arg863= (NM_001406763.1, NM_001406765.1); c.2436G>A, p.Arg812= (NM_001406766.1, NM_001406767.1, NM_001406770.1); c.2460G>A, p.Arg820= (NM_001406768.1); c.2328G>A, p.Arg776= (NM_001406769.1, NM_001406772.1); c.2286G>A, p.Arg762= (NM_001406771.1, NM_001406773.1); and 10 more.
Identifiers: ClinVar variation 3904564 (VCV003904564.1).
Genomic context (GRCh38, chr10:43,120,197, plus strand): 5'-GAAGATTTCGGATTTCGGCTTGTCCCGAGATGTTTATGAAGAGGATTCCTACGTGAAGAG[G>A]AGCCAGGTGCCCAGTCCCGGGGATGAGGCGGGGCTCCCAGGGATCCCAGGTGCACCATGG-3'
Protein context (NP_066124.1, residues 898-918): DVYEEDSYVK[Arg908=]SQGRIPVKWM